The following is an entry in ClinVar:

NM_022051.3(EGLN1):c.254C>A (p.Pro85Gln)

Gene: EGLN1 (egl-9 family hypoxia inducible factor 1; minus strand). Cytogenetic location: 1q42.2.
Variant type: single nucleotide variant.
Coding change: c.254C>A on transcript NM_022051.3 (MANE Select); coding-DNA position 254, C replaced by A.
Protein change: p.Pro85Gln; replaces proline 85 with glutamine.
Molecular consequence: missense variant.
Genome position (GRCh38, 1-based): chr1:231,421,635, G>T on the plus strand (C>A on the coding strand, the complement: EGLN1 is on the minus strand). VCF-style: chr1-231421635-G-T. GRCh37 (hg19) VCF-style: chr1-231557381-G-T.
Other names: c.254C>A, p.Pro85Gln (NM_001377260.1, NM_001377261.1); short protein forms P85Q.
Identifiers: ClinVar variation 3843891 (VCV003843891.1).

ClinVar aggregate classification (germline): Uncertain significance (1 of 4 stars; one submission).

Submission:

Ambry Genetics
Classification: Uncertain significance. Last evaluated: 2025-02-21. Review status: criteria provided, single submitter. Criteria: Ambry Variant Classification Scheme 2023. Collection method: clinical testing. Allele origin: germline.
Comment: The p.P85Q variant (also known as c.254C>A), located in coding exon 1 of the EGLN1 gene, results from a C to A substitution at nucleotide position 254. The proline at codon 85 is replaced by glutamine, an amino acid with similar properties. This amino acid position is conserved. In addition, this alteration is predicted to be tolerated by in silico analysis. Based on the available evidence, the clinical significance of this variant remains unclear.